The following is an entry in ClinVar:

NM_198129.4(LAMA3):c.6691A>T (p.Lys2231Ter)

Gene: LAMA3 (laminin subunit alpha 3; plus strand). Cytogenetic location: 18q11.2.
Variant type: single nucleotide variant.
Coding change: c.6691A>T on transcript NM_198129.4 (MANE Select); coding-DNA position 6691, A replaced by T.
Protein change: p.Lys2231Ter; replaces lysine 2231 with a stop codon.
Molecular consequence: nonsense.
Genome position (GRCh38, 1-based): chr18:23,905,597, A>T. VCF-style: chr18-23905597-A-T. GRCh37 (hg19) VCF-style: chr18-21485561-A-T.
Other names: c.1864A>T, p.Lys622Ter (NM_000227.6); c.6523A>T, p.Lys2175Ter (NM_001127717.4); c.1696A>T, p.Lys566Ter (NM_001127718.4); short protein forms K2175*, K566*, K2231*, K622*.
Identifiers: ClinVar variation 2698979 (VCV002698979.3), dbSNP rs1158043016, ClinGen allele CA402051436.

ClinVar aggregate classification (germline): Pathogenic (1 of 4 stars; one submission).

Submission:

Labcorp Genetics (formerly Invitae), Labcorp
Classification: Pathogenic. Last evaluated: 2023-06-08. Review status: criteria provided, single submitter. Criteria: Invitae Variant Classification Sherloc (09022015). Collection method: clinical testing. Allele origin: germline.
Comment: For these reasons, this variant has been classified as Pathogenic. Algorithms developed to predict the effect of sequence changes on RNA splicing suggest that this variant may disrupt the consensus splice site. This variant has not been reported in the literature in individuals affected with LAMA3-related conditions. This variant is not present in population databases (gnomAD no frequency). This sequence change creates a premature translational stop signal (p.Lys622*) in the LAMA3 gene. It is expected to result in an absent or disrupted protein product. Loss-of-function variants in LAMA3 are known to be pathogenic (PMID: 10366601, 11810295, 12915477, 16473856, 17362460, 22434185, 23869449, 27827380, 28087116).

Literature cited by the submitters: PubMed 10366601; PubMed 11810295; PubMed 12915477; PubMed 16473856; PubMed 17362460; PubMed 22434185; PubMed 23869449; PubMed 27827380; PubMed 28087116.